The following is an entry in ClinVar:

ClinVar aggregate classification (germline): Uncertain significance (1 of 4 stars; one submission).

Allele frequency attached by ClinVar (database versions not stated): gnomAD exomes below 0.00001.
gnomAD v4.1: 7 of 1,613,364 alleles (0.00043%); highest among the groups gnomAD compares: Non-Finnish European, 0.00051%; no homozygotes.

Submission:

Labcorp Genetics (formerly Invitae), Labcorp
Classification: Uncertain significance. Last evaluated: 2023-12-07. Review status: criteria provided, single submitter. Criteria: Invitae Variant Classification Sherloc (09022015). Collection method: clinical testing. Allele origin: germline.
Comment: This sequence change replaces valine, which is neutral and non-polar, with alanine, which is neutral and non-polar, at codon 171 of the IHH protein (p.Val171Ala). This variant is not present in population databases (gnomAD no frequency). This variant has not been reported in the literature in individuals affected with IHH-related conditions. Advanced modeling of protein sequence and biophysical properties (such as structural, functional, and spatial information, amino acid conservation, physicochemical variation, residue mobility, and thermodynamic stability) performed at Invitae indicates that this missense variant is not expected to disrupt IHH protein function with a negative predictive value of 80%. In summary, the available evidence is currently insufficient to determine the role of this variant in disease. Therefore, it has been classified as a Variant of Uncertain Significance.

NM_002181.4(IHH):c.512T>C (p.Val171Ala)

Gene: IHH (Indian hedgehog signaling molecule; minus strand). Cytogenetic location: 2q35.
Variant type: single nucleotide variant.
Coding change: c.512T>C on transcript NM_002181.4 (MANE Select); coding-DNA position 512, T replaced by C.
Protein change: p.Val171Ala; replaces valine 171 with alanine.
Molecular consequence: missense variant.
Genome position (GRCh38, 1-based): chr2:219,057,498, A>G on the plus strand (T>C on the coding strand, the complement: IHH is on the minus strand). VCF-style: chr2-219057498-A-G. GRCh37 (hg19) VCF-style: chr2-219922220-A-G.
Other names: short protein forms V171A.
Identifiers: ClinVar variation 2769569 (VCV002769569.3), dbSNP rs2469514148, ClinGen allele CA350634340.
Genomic context (GRCh38, chr2:219,057,498, plus strand): 5'-TTGACGGAGCAATGCACGTGGGCCTTTGACTCGTAATACACCCAGTCAAAGCCGGCCTCC[A>G]CTGCCAAGCGCGCCAGCAGTCCATACTTATTGCGGTCGCGGTCTGATGTGGTGATGTCCA-3'
Protein context (NP_002172.2, residues 161-181): NKYGLLARLA[Val171Ala]EAGFDWVYYE